The following is an entry in ClinVar:

ClinVar aggregate classification (germline): Uncertain significance (1 of 4 stars; one submission).

Conditions:
Hereditary cancer-predisposing syndrome. Also called: Neoplastic Syndromes, Hereditary; Tumor predisposition; Hereditary Cancer Syndrome; Hereditary neoplastic syndrome. Identifiers: Orphanet 140162, MedGen C0027672, MeSH D009386, MONDO:0015356.

Submission:

Ambry Genetics
Classification: Uncertain significance for Hereditary cancer-predisposing syndrome. Last evaluated: 2025-05-20. Review status: criteria provided, single submitter. Criteria: Ambry Variant Classification Scheme 2023. Collection method: clinical testing. Allele origin: germline.
Comment: The p.T594I variant (also known as c.1781C>T), located in coding exon 9 of the MEN1 gene, results from a C to T substitution at nucleotide position 1781. The threonine at codon 594 is replaced by isoleucine, an amino acid with similar properties. This amino acid position is not well conserved in available vertebrate species. In addition, the in silico prediction for this alteration is inconclusive. Based on the available evidence, the clinical significance of this variant remains unclear.

NM_001370259.2(MEN1):c.1781C>T (p.Thr594Ile)

Gene: MEN1 (menin 1; minus strand). Cytogenetic location: 11q13.1.
Variant type: single nucleotide variant.
Coding change: c.1781C>T on transcript NM_001370259.2 (MANE Select); coding-DNA position 1781, C replaced by T.
Protein change: p.Thr594Ile; replaces threonine 594 with isoleucine.
Molecular consequence: missense variant.
Genome position (GRCh38, 1-based): chr11:64,804,386, G>A on the plus strand (C>T on the coding strand, the complement: MEN1 is on the minus strand). VCF-style: chr11-64804386-G-A. GRCh37 (hg19) VCF-style: chr11-64571858-G-A.
Other names: c.1796C>T, p.Thr599Ile (NM_000244.4, NM_130800.3, NM_130801.3 and 3 more transcripts); c.1907C>T, p.Thr636Ile (NM_001370251.2); c.1781C>T, p.Thr594Ile (NM_001370260.2, NM_001370261.2, NM_130799.3); c.1676C>T, p.Thr559Ile (NM_001370262.2, NM_001370263.2); short protein forms T599I, T636I, T559I, T594I.
Identifiers: ClinVar variation 820066 (VCV000820066.6), dbSNP rs1592629243, ClinGen allele CA381177318.